The following is an entry in ClinVar:

NM_001018115.3(FANCD2):c.2469A>G (p.Gln823=)

Genes: FANCD2 (FA complementation group D2; plus strand), LOC107303338 (3p25 FANCD2 Alu-mediated recombination region; plus strand). Cytogenetic location: 3p25.3.
Variant type: single nucleotide variant.
Coding change: c.2469A>G on transcript NM_001018115.3 (MANE Select); coding-DNA position 2469, A replaced by G.
Protein change: p.Gln823=; no amino-acid change (glutamine 823 retained).
Molecular consequence: synonymous variant.
Genome position (GRCh38, 1-based): chr3:10,067,292, A>G. VCF-style: chr3-10067292-A-G. GRCh37 (hg19) VCF-style: chr3-10108976-A-G.
Other names: NP_001018125.1:p.Gln823=; c.2469A>G, p.Gln823= (NM_001319984.2, NM_001374254.1, NM_033084.6); c.2358A>G, p.Gln786= (NM_001374253.1).
Identifiers: ClinVar variation 342367 (VCV000342367.14), dbSNP rs574054963, ClinGen allele CA2250089.

ClinVar aggregate classification (germline): Benign/Likely benign. Review status: criteria provided, multiple submitters, no conflicts (2 of 4 stars). 3 submissions from 3 submitters: Benign (1); Likely benign (2). Last evaluated 2026-01-13.

Conditions:
Hereditary breast ovarian cancer syndrome. Also called: Hereditary breast and ovarian cancer syndrome (HBOC); Breast and ovarian cancer; Hereditary breast and ovarian cancer syndrome; Hereditary breast and ovarian cancer; Hereditary breast and/or ovarian cancer syndrome; BRCA1- and BRCA2-Associated Hereditary Breast and Ovarian Cancer. Identifiers: Orphanet 145, MedGen C0677776, MeSH D061325, MONDO:0003582. Disease mechanism: loss of function.
Fanconi anemia complementation group D2. Also called: FANCD2-Related Fanconi Anemia; FANCONI PANCYTOPENIA, TYPE 4; FANCONI ANEMIA, COMPLEMENTATION GROUP D. Identifiers: Orphanet 84, MedGen C3160738, MONDO:0009214, OMIM 227646.
Fanconi anemia (FA). Also called: Fanconi's anemia. Identifiers: Orphanet 84, MedGen C0015625, MeSH D005199, MONDO:0019391.

Allele frequency attached by ClinVar (database versions not stated): gnomAD 0.00001 and 0.00017; TOPMed 0.00002; gnomAD exomes 0.00030 and 0.00073; ExAC 0.00090; 1000 Genomes Project 30x 0.00156; 1000 Genomes Project 0.00160.
gnomAD v4.1: 470 of 1,612,652 alleles (0.029%); highest among the groups gnomAD compares: South Asian, 0.49%; 10 homozygotes.

Submissions (3):

Labcorp Genetics (formerly Invitae), Labcorp
Classification: Benign for Fanconi anemia. Last evaluated: 2026-01-13. Review status: criteria provided, single submitter. Criteria: Invitae Variant Classification Sherloc (09022015). Collection method: clinical testing. Allele origin: germline.

National Health Laboratory Service, Universitas Academic Hospital and University of the Free State
Classification: Likely benign for Hereditary breast ovarian cancer syndrome. Last evaluated: 2022-04-19. Review status: criteria provided, single submitter. Criteria: ACMG Guidelines, 2015. Collection method: clinical testing. Allele origin: germline. Affected: yes. Observed: 1 variant allele.

Illumina Laboratory Services, Illumina
Classification: Likely benign for Fanconi anemia complementation group D2. Last evaluated: 2018-01-13. Review status: criteria provided, single submitter. Criteria: ICSL Variant Classification Criteria 13 December 2019. Collection method: clinical testing. Allele origin: germline.
Comment: This variant was observed in the ICSL laboratory as part of a predisposition screen in an ostensibly healthy population. It had not been previously curated by ICSL or reported in the Human Gene Mutation Database (HGMD: prior to June 1st, 2018), and was therefore a candidate for classification through an automated scoring system. Utilizing variant allele frequency, disease prevalence and penetrance estimates, and inheritance mode, an automated score was calculated to assess if this variant is too frequent to cause the disease. Based on the score and internal cut-off values, a variant classified as likely benign is not then subjected to further curation. The score for this variant resulted in a classification of likely benign for this disease.